The following is an entry in ClinVar:

NM_016327.3(UPB1):c.744C>T (p.Asn248=)

Gene: UPB1 (beta-ureidopropionase 1; plus strand). Cytogenetic location: 22q11.23.
Variant type: single nucleotide variant.
Coding change: c.744C>T on transcript NM_016327.3 (MANE Select); coding-DNA position 744, C replaced by T.
Protein change: p.Asn248=; no amino-acid change (asparagine 248 retained).
Molecular consequence: synonymous variant.
Genome position (GRCh38, 1-based): chr22:24,515,323, C>T. VCF-style: chr22-24515323-C-T. GRCh37 (hg19) VCF-style: chr22-24911291-C-T.
Identifiers: ClinVar variation 2652999 (VCV002652999.24), dbSNP rs898820305, ClinGen allele CA322675809.

ClinVar aggregate classification (germline): Likely benign (1 of 4 stars; one submission).

Allele frequency attached by ClinVar (database versions not stated): gnomAD 0.00005; gnomAD exomes 0.00001; TOPMed 0.00002.
gnomAD v4.1: 18 of 1,614,024 alleles (0.0011%); highest among the groups gnomAD compares: African/African-American, 0.013%; no homozygotes.

Submission:

CeGaT Center for Human Genetics Tuebingen
Classification: Likely benign. Last evaluated: 2022-11-01. Review status: criteria provided, single submitter. Criteria: CeGaT Center For Human Genetics Tuebingen Variant Classification Criteria Version 2. Collection method: clinical testing. Allele origin: germline. Affected: yes. Observed: 1 variant allele.
Comment: UPB1: BP4, BP7